The following is an entry in ClinVar:

ClinVar aggregate classification (germline): Uncertain significance (1 of 4 stars; one submission).

Allele frequency attached by ClinVar (database versions not stated): TOPMed below 0.00001.

Submission:

Labcorp Genetics (formerly Invitae), Labcorp
Classification: Uncertain significance. Last evaluated: 2022-05-21. Review status: criteria provided, single submitter. Criteria: Invitae Variant Classification Sherloc (09022015). Collection method: clinical testing. Allele origin: germline.
Comment: In summary, the available evidence is currently insufficient to determine the role of this variant in disease. Therefore, it has been classified as a Variant of Uncertain Significance. Algorithms developed to predict the effect of missense changes on protein structure and function are either unavailable or do not agree on the potential impact of this missense change (SIFT: "Deleterious"; PolyPhen-2: "Probably Damaging"; Align-GVGD: "Class C0"). This variant has not been reported in the literature in individuals affected with VARS2-related conditions. This variant is not present in population databases (gnomAD no frequency). This sequence change replaces leucine, which is neutral and non-polar, with proline, which is neutral and non-polar, at codon 627 of the VARS2 protein (p.Leu627Pro).

NM_020442.6(VARS2):c.1790T>C (p.Leu597Pro)

Genes: VARS2 (valyl-tRNA synthetase 2, mitochondrial; plus strand), LOC126859646 (MED14-independent group 3 enhancer GRCh37_chr6:30889690-30890889; plus strand). Cytogenetic location: 6p21.33.
Variant type: single nucleotide variant.
Coding change: c.1790T>C on transcript NM_020442.6 (MANE Select); coding-DNA position 1790, T replaced by C.
Protein change: p.Leu597Pro; replaces leucine 597 with proline.
Molecular consequence: missense variant.
Genome position (GRCh38, 1-based): chr6:30,921,979, T>C. VCF-style: chr6-30921979-T-C. GRCh37 (hg19) VCF-style: chr6-30889756-T-C.
Other names: c.1370T>C, p.Leu457Pro (NM_001167733.3); c.1880T>C, p.Leu627Pro (NM_001167734.2); short protein forms L457P, L597P, L627P.
Identifiers: ClinVar variation 1965378 (VCV001965378.5), dbSNP rs1319747137, ClinGen allele CA363174131.
Genomic context (GRCh38, chr6:30,921,979, plus strand): 5'-TCCCAGATCCTGATGTCCTAGACACATGGTTTTCTTCTGCCCTGTTCCCCTTTTCTGCCC[T>C]GGGCTGGCCCCAAGAGGTGAGGTGGGTTGAGAGGGCGAAAGTGAAGGGGAAACGATAAGG-3'
Protein context (NP_065175.4, residues 587-607): FSSALFPFSA[Leu597Pro]GWPQETPDLA